The following is an entry in ClinVar:

NM_005876.5(SPEG):c.9661G>A (p.Ala3221Thr)

Genes: ASIC4-AS1 (ASIC4 antisense RNA 1; minus strand), SPEG (striated muscle enriched protein kinase; plus strand). Cytogenetic location: 2q35.
Variant type: single nucleotide variant.
Coding change: c.9661G>A on transcript NM_005876.5 (MANE Select); coding-DNA position 9661, G replaced by A.
Protein change: p.Ala3221Thr; replaces alanine 3221 with threonine.
Molecular consequence: missense variant.
Genome position (GRCh38, 1-based): chr2:219,492,643, G>A. VCF-style: chr2-219492643-G-A. GRCh37 (hg19) VCF-style: chr2-220357365-G-A.
Other names: c.9661G>A (NM_005876.4); short protein forms A3221T.
Identifiers: ClinVar variation 809171 (VCV000809171.49), dbSNP rs530008202, ClinGen allele CA2127843.

ClinVar aggregate classification (germline): Conflicting classifications of pathogenicity. Review status: criteria provided, conflicting classifications (1 of 4 stars). 4 submissions from 4 submitters: Uncertain significance (1); Benign (1); Likely benign (2). Last evaluated 2025-09-29.

Conditions:
SPEG-related disorder. Also called: SPEG-related condition.

Allele frequency attached by ClinVar (database versions not stated): gnomAD 0.00001; TOPMed 0.00001; 1000 Genomes Project 0.00060; 1000 Genomes Project 30x 0.00078; gnomAD exomes 0.00078; ExAC 0.00093.
gnomAD v4.1: 570 of 1,611,312 alleles (0.035%); highest among the groups gnomAD compares: South Asian, 0.56%; 6 homozygotes.

Submissions (4):

Labcorp Genetics (formerly Invitae), Labcorp
Classification: Benign. Last evaluated: 2025-09-29. Review status: criteria provided, single submitter. Criteria: Invitae Variant Classification Sherloc (09022015). Collection method: clinical testing. Allele origin: germline.

PreventionGenetics, part of Exact Sciences
Classification: Likely benign for SPEG-related condition. Last evaluated: 2025-05-13. Review status: criteria provided, single submitter. Criteria: ACMG Guidelines, 2015. Collection method: clinical testing. Allele origin: germline.
Comment: This variant is classified as likely benign based on ACMG/AMP sequence variant interpretation guidelines (Richards et al. 2015 PMID: 25741868, with internal and published modifications).

Blueprint Genetics
Classification: Likely benign. Last evaluated: 2024-11-13. Review status: criteria provided, single submitter. Criteria: ACMG Guidelines, 2015. Collection method: clinical testing. Allele origin: germline.

CeGaT Center for Human Genetics Tuebingen
Classification: Uncertain significance. Last evaluated: 2020-11-01. Review status: criteria provided, single submitter. Criteria: CeGaT Center For Human Genetics Tuebingen Variant Classification Criteria Version 2. Collection method: clinical testing. Allele origin: germline. Affected: yes. Observed: 2 variant alleles.